The following is an entry in ClinVar:

ClinVar aggregate classification (germline): Pathogenic (1 of 4 stars; one submission).

Conditions:
Waardenburg syndrome type 1 (WS1). Also called: WAARDENBURG SYNDROME WITH DYSTOPIA CANTHORUM; Waardenburg Syndrome Type I. Identifiers: Orphanet 894, MedGen C1847800, MONDO:0008670, OMIM 193500.

Submission:

Institute of Rare Diseases, West China Hospital, Sichuan University
Classification: Pathogenic for Waardenburg syndrome type 1. Last evaluated: 2025-01-09. Review status: criteria provided, single submitter. Criteria: ClinGen HL ACMG Specifications v1. Collection method: research. Allele origin: germline. Affected: yes.
Comment: PVS1;PP1;PP4;PM2_Supporting

NM_181458.4(PAX3):c.65del (p.Arg22fs)

Genes: CCDC140 (CCDC140 long non-coding RNA; plus strand), PAX3 (paired box 3; minus strand). Cytogenetic location: 2q36.1.
Variant type: Deletion.
Coding change: c.65del on transcript NM_181458.4 (MANE Select); coding-DNA position 65, one base deleted (G; older notation c.65delG).
Protein change: p.Arg22fs; shifts the reading frame from arginine 22.
Molecular consequence: frameshift variant.
Genome position (GRCh38, 1-based): chr2:222,298,551, C deleted on the plus strand (G on the coding strand, the reverse complement: PAX3 is on the minus strand). VCF-style (leftmost placement, unchanged base first): chr2-222298550-AC-A. GRCh37 (hg19) VCF-style: chr2-223163269-AC-A.
Other names: c.65del, p.Arg22fs (NM_000438.6, NM_001127366.3, NM_013942.5 and 4 more transcripts); short protein forms R22fs.
Identifiers: ClinVar variation 3601587 (VCV003601587.1).